The following is an entry in ClinVar:

ClinVar aggregate classification (germline): Uncertain significance. Review status: criteria provided, multiple submitters, no conflicts (2 of 4 stars). 3 submissions from 3 submitters: Uncertain significance (3). Last evaluated 2026-01-04.

Conditions:
Dilated cardiomyopathy 1JJ (CMD1JJ). Identifiers: Orphanet 154, MedGen C3808935, MONDO:0014095, OMIM 615235.
Cardiovascular phenotype. Identifiers: MedGen CN230736.

Allele frequency attached by ClinVar (database versions not stated): gnomAD 0.00001; gnomAD exomes 0.00001 and 0.00004; TOPMed 0.00002; ExAC 0.00007.
gnomAD v4.1: 16 of 1,613,982 alleles (0.00099%); highest among the groups gnomAD compares: Non-Finnish European, 0.0014%; no homozygotes.

Submissions (3):

Labcorp Genetics (formerly Invitae), Labcorp
Classification: Uncertain significance for Dilated cardiomyopathy 1JJ. Last evaluated: 2026-01-04. Review status: criteria provided, single submitter. Criteria: Invitae Variant Classification Sherloc (09022015). Collection method: clinical testing. Allele origin: germline.
Comment: This sequence change replaces leucine, which is neutral and non-polar, with valine, which is neutral and non-polar, at codon 867 of the LAMA4 protein (p.Leu867Val). This variant is present in population databases (rs782635471, gnomAD 0.008%). This variant has not been reported in the literature in individuals affected with LAMA4-related conditions. ClinVar contains an entry for this variant (Variation ID: 426789). Invitae Evidence Modeling of protein sequence and biophysical properties (such as structural, functional, and spatial information, amino acid conservation, physicochemical variation, residue mobility, and thermodynamic stability) has been performed for this missense variant. However, the output from this modeling did not meet the statistical confidence thresholds required to predict the impact of this variant on LAMA4 protein function. In summary, the available evidence is currently insufficient to determine the role of this variant in disease. Therefore, it has been classified as a Variant of Uncertain Significance.

GeneDx
Classification: Uncertain significance. Last evaluated: 2024-03-17. Review status: criteria provided, single submitter. Criteria: GeneDx Variant Classification Process June 2021. Collection method: clinical testing. Allele origin: germline. Affected: yes.
Comment: Has not been previously published as pathogenic or benign to our knowledge; In silico analysis supports that this missense variant does not alter protein structure/function

Ambry Genetics
Classification: Uncertain significance for Cardiovascular phenotype. Last evaluated: 2021-07-08. Review status: criteria provided, single submitter. Criteria: Ambry Variant Classification Scheme 2023. Collection method: clinical testing. Allele origin: germline.
Comment: The p.L867V variant (also known as c.2599C>G), located in coding exon 19 of the LAMA4 gene, results from a C to G substitution at nucleotide position 2599. The leucine at codon 867 is replaced by valine, an amino acid with highly similar properties. This amino acid position is conserved. In addition, this alteration is predicted to be tolerated by in silico analysis. The evidence for this gene-disease relationship is limited; therefore, the clinical significance of this alteration is unclear.

NM_001105206.3(LAMA4):c.2620C>G (p.Leu874Val)

Gene: LAMA4 (laminin subunit alpha 4; minus strand). Cytogenetic location: 6q21.
Variant type: single nucleotide variant.
Coding change: c.2620C>G on transcript NM_001105206.3 (MANE Select); coding-DNA position 2620, C replaced by G.
Protein change: p.Leu874Val; replaces leucine 874 with valine.
Molecular consequence: missense variant.
Genome position (GRCh38, 1-based): chr6:112,142,166, G>C on the plus strand (C>G on the coding strand, the complement: LAMA4 is on the minus strand). VCF-style: chr6-112142166-G-C. GRCh37 (hg19) VCF-style: chr6-112463368-G-C.
Other names: c.2599C>G, p.Leu867Val (NM_001105207.3, NM_002290.5); c.2599C>G (LRG_433t2); short protein forms L867V, L874V.
Identifiers: ClinVar variation 426789 (VCV000426789.6), dbSNP rs782635471, ClinGen allele CA3965428.
Genomic context (GRCh38, chr6:112,142,166, plus strand): 5'-CTCATGTGCTTACGTTTTTGCTTCCGAGGTACAGGATAAACTGATCTGCAGTCTCGGTCA[G>C]TTCCGGCCGCTTCACAGGGGGTTTCATGTACAGGCTCAGAGACGTGAAGGCCTTTAAGTC-3'
Protein context (NP_001098676.2, residues 864-884): YMKPPVKRPE[Leu874Val]TETADQFILY